The following is an entry in ClinVar:

ClinVar aggregate classification (germline): Pathogenic. Review status: criteria provided, multiple submitters, no conflicts (2 of 4 stars). 2 submissions from 2 submitters: Pathogenic (2). Last evaluated 2020-04-26.

Conditions:
Cardiomyopathy (CMYO). Also called: Cardiomyopathies. Identifiers: Orphanet 167848, MedGen C0878544, MONDO:0004994, HP:0001638. Inheritance: Various modes of inheritance.
Arrhythmogenic right ventricular dysplasia 9 (ARVD9). Also called: ARRHYTHMOGENIC RIGHT VENTRICULAR DYSPLASIA, FAMILIAL, 9; Arrhythmogenic Right Ventricular Dysplasia/Cardiomyopathy 9. Identifiers: MedGen C1836906, MONDO:0012180, OMIM 609040.

Submissions (2):

Labcorp Genetics (formerly Invitae), Labcorp
Classification: Pathogenic for Arrhythmogenic right ventricular dysplasia 9. Last evaluated: 2020-04-26. Review status: criteria provided, single submitter. Criteria: Invitae Variant Classification Sherloc (09022015). Collection method: clinical testing. Allele origin: germline.
Comment: For these reasons, this variant has been classified as Pathogenic. Loss-of-function variants in PKP2 are known to be pathogenic (PMID: 15489853, 23911551). This variant has been observed in an individual affected with arrhythmogenic right ventricular cardiomyopathy (PMID: 26887364). This variant is not present in population databases (ExAC no frequency). This sequence change creates a premature translational stop signal (p.Gln732*) in the PKP2 gene. It is expected to result in an absent or disrupted protein product.

Color Diagnostics, LLC DBA Color Health
Classification: Pathogenic for Cardiomyopathy. Last evaluated: 2019-10-14. Review status: criteria provided, single submitter. Criteria: ACMG Guidelines, 2015. Collection method: clinical testing. Allele origin: germline.
Comment: This variant changes 1 nucleotide in exon 11 of the PKP2 gene, creating a premature translation stop signal. This variant is expected to result in an absent or non-functional protein product. Splice site prediction tools suggest that this variant may not impact RNA splicing. To our knowledge, functional studies have not been performed for this variant. This variant has been reported in an individual affected with arrhythmogenic right ventricular cardiomyopathy (PMID: 26887364). This variant has not been identified in the general population by the Genome Aggregation Database (gnomAD). Loss of PKP2 function is a known mechanism of disease. Based on the available evidence, this variant is classified as Pathogenic.

Literature cited by the submitters: PubMed 15489853 (cited by Labcorp Genetics (formerly Invitae), Labcorp); PubMed 23911551 (cited by Labcorp Genetics (formerly Invitae), Labcorp); PubMed 26887364 (cited by Labcorp Genetics (formerly Invitae), Labcorp).

NM_001005242.3(PKP2):c.2062C>T (p.Gln688Ter)

Gene: PKP2 (plakophilin 2; minus strand). Cytogenetic location: 12p11.21.
Variant type: single nucleotide variant.
Coding change: c.2062C>T on transcript NM_001005242.3 (MANE Select); coding-DNA position 2062, C replaced by T.
Protein change: p.Gln688Ter; replaces glutamine 688 with a stop codon.
Molecular consequence: nonsense.
Genome position (GRCh38, 1-based): chr12:32,802,508, G>A on the plus strand (C>T on the coding strand, the complement: PKP2 is on the minus strand). VCF-style: chr12-32802508-G-A. GRCh37 (hg19) VCF-style: chr12-32955442-G-A.
Other names: c.2194C>T, p.Gln732Ter (NM_004572.4); short protein forms Q688*, Q732*.
Identifiers: ClinVar variation 839473 (VCV000839473.12), dbSNP rs1956192035, ClinGen allele CA16616727.